The following is an entry in ClinVar:

NM_000465.4(BARD1):c.632T>G (p.Leu211Ter)

Gene: BARD1 (BRCA1 associated RING domain 1; minus strand). Cytogenetic location: 2q35.
Variant type: single nucleotide variant.
Coding change: c.632T>G on transcript NM_000465.4 (MANE Select); coding-DNA position 632, T replaced by G.
Protein change: p.Leu211Ter; replaces leucine 211 with a stop codon.
Molecular consequence: nonsense. On other transcripts: non-coding transcript variant (2), intron variant (3).
Genome position (GRCh38, 1-based): chr2:214,781,242, A>C on the plus strand (T>G on the coding strand, the complement: BARD1 is on the minus strand). VCF-style: chr2-214781242-A-C. GRCh37 (hg19) VCF-style: chr2-215645966-A-C.
Other names: c.575T>G, p.Leu192Ter (NM_001282543.2); c.158+28170T>G (NM_001282548.2); c.215+15819T>G (NM_001282545.2); c.364+11055T>G (NM_001282549.2); short protein forms L211*, L192*.
Identifiers: ClinVar variation 530211 (VCV000530211.13), dbSNP rs762171436, ClinGen allele CA350456640.
Genomic context (GRCh38, chr2:214,781,242, plus strand): 5'-GAGTCAAATTCACCATCTTCTTTTTCTGCCTCTAAATTCCATTTTTGGTTGATTTCAGCT[A>C]AAGTTTTCTTTTTTTGCTTTTTTCCAGATCTTGCAGAAGCCTTTTTAGCCCTCTCAGAAA-3'

ClinVar aggregate classification (germline): Pathogenic/Likely pathogenic. Review status: criteria provided, multiple submitters, no conflicts (2 of 4 stars). 4 submissions from 4 submitters: Pathogenic (3); Likely pathogenic (1). Last evaluated 2026-01-10.

Conditions:
Familial cancer of breast. Also called: BREAST CANCER, FAMILIAL; Hereditary breast cancer; hereditary breast carcinoma. Identifiers: Orphanet 227535, MedGen C0346153, MONDO:0016419, OMIM 114480. Disease mechanism: loss of function.
Hereditary cancer-predisposing syndrome. Also called: Hereditary neoplastic syndrome; Neoplastic Syndromes, Hereditary; Hereditary Cancer Syndrome; Tumor predisposition. Identifiers: Orphanet 140162, MedGen C0027672, MeSH D009386, MONDO:0015356.

Submissions (4):

Labcorp Genetics (formerly Invitae), Labcorp
Classification: Pathogenic for Familial cancer of breast. Last evaluated: 2026-01-10. Review status: criteria provided, single submitter. Criteria: Invitae Variant Classification Sherloc (09022015). Collection method: clinical testing. Allele origin: germline.
Comment: This sequence change creates a premature translational stop signal (p.Leu211*) in the BARD1 gene. It is expected to result in an absent or disrupted protein product. Loss-of-function variants in BARD1 are known to be pathogenic (PMID: 20077502, 21344236). This variant is not present in population databases (gnomAD no frequency). This variant has not been reported in the literature in individuals affected with BARD1-related conditions. ClinVar contains an entry for this variant (Variation ID: 530211). For these reasons, this variant has been classified as Pathogenic.

Ambry Genetics
Classification: Pathogenic for Hereditary cancer-predisposing syndrome. Last evaluated: 2024-05-02. Review status: criteria provided, single submitter. Criteria: Ambry Variant Classification Scheme 2023. Collection method: clinical testing. Allele origin: germline.
Comment: The p.L211* pathogenic mutation (also known as c.632T>G), located in coding exon 4 of the BARD1 gene, results from a T to G substitution at nucleotide position 632. This changes the amino acid from a leucine to a stop codon within coding exon 4. This alteration is expected to result in loss of function by premature protein truncation or nonsense-mediated mRNA decay. As such, this alteration is interpreted as a disease-causing mutation.

Myriad Genetics, Inc.
Classification: Pathogenic for Familial cancer of breast. Last evaluated: 2023-05-19. Review status: criteria provided, single submitter. Criteria: Myriad Autosomal Dominant, Autosomal Recessive and X-Linked Classification Criteria (2023). Collection method: clinical testing. Allele origin: unknown.
Comment: This variant is considered pathogenic. This variant creates a termination codon and is predicted to result in premature protein truncation.

Baylor Genetics
Classification: Likely pathogenic for Familial cancer of breast. Last evaluated: 2023-03-24. Review status: criteria provided, single submitter. Criteria: ACMG Guidelines, 2015. Collection method: clinical testing. Allele origin: unknown.

Literature cited by the submitters: PubMed 20077502 (cited by Labcorp Genetics (formerly Invitae), Labcorp); PubMed 21344236 (cited by Labcorp Genetics (formerly Invitae), Labcorp).